The following is an entry in ClinVar:

GRCh37/hg19 Xq23-25(chrX:110921170-124327177)x2

Genes: AGTR2 (angiotensin II receptor type 2; plus strand), AKAP14 (A-kinase anchoring protein 14; plus strand), ALG13 (ALG13 UDP-N-acetylglucosaminyltransferase subunit; plus strand), AMOT (angiomotin; minus strand), ATP1B4 (ATPase Na+/K+ transporting family member beta 4; plus strand) and 63 more. Cytogenetic location: Xq23-25.
Variant type: copy number gain.
Change: copy number 2 of chrX:110,921,170-124,327,177 (13.41 Mb, GRCh37 coordinates, 1-based), cytogenetic band Xq23-25.
Identifiers: ClinVar variation 2685761 (VCV002685761.1).

ClinVar aggregate classification (germline): Pathogenic (1 of 4 stars; one submission).

Submission:

Quest Diagnostics Nichols Institute San Juan Capistrano
Classification: Pathogenic. Last evaluated: 2022-11-08. Review status: criteria provided, single submitter. Criteria: ACMG/ClinGen CNV Guidelines, 2019. Collection method: clinical testing. Allele origin: unknown.
Comment: Duplications of this region have been known to be associated with Xq25 microduplication syndrome (Di Benedetto 2014, Kumar 2015, Leroy 2016, Philippe 2013, Turchi 2020, Yingjun 2015). There are no similar copy number gains of this region in the general populations of the Database of Genomic Variants. Thus, based on current medical literature and gene content, this copy number variant (CNV) is classified as pathogenic. References: Di Benedetto et al., Am J Med Genet A. 2014 Aug;164A(8):1923-30. PMID: 24733578 Kumar et al., Hum Mol Genet. 2015 Dec 20;24(25):7171-81. PMID: 26443594 Leroy et al., Clin Genet. 2016 Jan;89(1):68-73. PMID: 25677961 Philippe et al., Am J Med Genet A. 2013 Jun;161A(6):1370-5. PMID: 23637084 Takenouchi et al., Am J Med Genet A. 2012 Oct;158A(10):2537-41. PMID: 22887648 Turchi et al., Clin Dysmorphol. 2020 Apr;29(2):90-96. PMID: 31609727 Yingjun et al., Eur J Med Genet. 2015 Feb;58(2):116-21. PMID: 25450604